The following is an entry in ClinVar:

NM_017934.7(PHIP):c.572T>G (p.Phe191Cys)

Gene: PHIP (PHIP subunit of CUL4-Ring ligase complex; minus strand). Cytogenetic location: 6q14.1.
Variant type: single nucleotide variant.
Coding change: c.572T>G on transcript NM_017934.7 (MANE Select); coding-DNA position 572, T replaced by G.
Protein change: p.Phe191Cys; replaces phenylalanine 191 with cysteine.
Molecular consequence: missense variant.
Genome position (GRCh38, 1-based): chr6:79,042,871, A>C on the plus strand (T>G on the coding strand, the complement: PHIP is on the minus strand). VCF-style: chr6-79042871-A-C. GRCh37 (hg19) VCF-style: chr6-79752588-A-C.
Other names: short protein forms F191C.
Identifiers: ClinVar variation 4884950 (VCV004884950.2).

ClinVar aggregate classification (germline): Uncertain significance (1 of 4 stars; one submission).

Submission:

Dasa
Classification: Uncertain significance. Last evaluated: 2024-12-03. Review status: criteria provided, single submitter. Criteria: DASA Assertion Criteria. Collection method: clinical testing. Allele origin: germline.
Comment: NM_017934.7(PHIP):c.572T>G (p.Phe191Cys) is a missense variant that results in the substitution of phenylalanine with cysteine. The affected residue or protein region has prior evidence supporting clinical relevance. This variant is absent from population databases. Computational prediction algorithms are consistent with a deleterious effect. The currently available literature and clinical evidence are not sufficient to establish a definitive association between this variant and the reported condition. Therefore, this variant is classified as a variant of uncertain significance.